The following is an entry in ClinVar:

NM_004336.5(BUB1):c.510_511del (p.Gln170fs)

Gene: BUB1 (BUB1 mitotic checkpoint serine/threonine kinase; minus strand). Cytogenetic location: 2q13.
Variant type: Deletion.
Coding change: c.510_511del on transcript NM_004336.5 (MANE Select); coding-DNA positions 510 to 511, 2 bases deleted (AA; older notation c.510_511delAA).
Protein change: p.Gln170fs; shifts the reading frame from glutamine 170.
Molecular consequence: frameshift variant.
Genome position (GRCh38, 1-based): chr2:110,669,509-110,669,510, TT deleted on the plus strand (AA on the coding strand, the reverse complement: BUB1 is on the minus strand); deleting any 2 consecutive bases within chr2:110,669,509-110,669,511 gives the same sequence; the c. name uses the placement nearest the transcript's 3' end. VCF-style (leftmost placement, unchanged base first): chr2-110669508-ATT-A. GRCh37 (hg19) VCF-style: chr2-111427085-ATT-A.
Other names: c.450_451del, p.Gln150fs (NM_001278616.2); c.510_511del, p.Gln170fs (NM_001278617.2); short protein forms Q150fs, Q170fs.
Identifiers: ClinVar variation 3631058 (VCV003631058.2).

ClinVar aggregate classification (germline): Uncertain significance (1 of 4 stars; one submission).

Submission:

Labcorp Genetics (formerly Invitae), Labcorp
Classification: Uncertain significance. Last evaluated: 2025-09-15. Review status: criteria provided, single submitter. Criteria: Invitae Variant Classification Sherloc (09022015). Collection method: clinical testing. Allele origin: germline.
Comment: This sequence change creates a premature translational stop signal (p.Gln170Hisfs*11) in the BUB1 gene. It is expected to result in an absent or disrupted protein product. However, the current clinical and genetic evidence is not sufficient to establish whether loss-of-function variants in BUB1 cause disease. This variant is present in population databases (rs781189855, gnomAD 0.002%). This variant has not been reported in the literature in individuals affected with BUB1-related conditions. ClinVar contains an entry for this variant (Variation ID: 3631058). Algorithms developed to predict the effect of sequence changes on RNA splicing suggest that this variant may disrupt the consensus splice site. In summary, the available evidence is currently insufficient to determine the role of this variant in disease. Therefore, it has been classified as a Variant of Uncertain Significance.